The following is an entry in ClinVar:

ClinVar aggregate classification (germline): Likely benign (0 of 4 stars; one submission).

Conditions:
SEMA3G-related disorder. Also called: SEMA3G-related condition.

Allele frequency attached by ClinVar (database versions not stated): gnomAD exomes below 0.00001; ExAC 0.00001; TOPMed 0.00001; gnomAD 0.00003.

Submission:

PreventionGenetics, part of Exact Sciences
Classification: Likely benign for SEMA3G-related condition. Last evaluated: 2022-03-24. Review status: no assertion criteria provided. Collection method: clinical testing. Allele origin: germline.
Comment: This variant is classified as likely benign based on ACMG/AMP sequence variant interpretation guidelines (Richards et al. 2015 PMID: 25741868, with internal and published modifications).

NM_020163.3(SEMA3G):c.1879-7A>G

Gene: SEMA3G (semaphorin 3G; minus strand). Cytogenetic location: 3p21.1.
Variant type: single nucleotide variant.
Coding change: c.1879-7A>G on transcript NM_020163.3 (MANE Select); 7 bases into the intron before coding-DNA position 1879, A replaced by G.
Molecular consequence: intron variant.
Genome position (GRCh38, 1-based): chr3:52,436,080, T>C on the plus strand (A>G on the coding strand, the complement: SEMA3G is on the minus strand). VCF-style: chr3-52436080-T-C. GRCh37 (hg19) VCF-style: chr3-52470096-T-C.
Identifiers: ClinVar variation 3029441 (VCV003029441.2), dbSNP rs757711856, ClinGen allele CA2437780.